The following is an entry in ClinVar:

ClinVar aggregate classification (germline): Likely benign. Review status: criteria provided, multiple submitters, no conflicts (2 of 4 stars). 6 submissions from 6 submitters: Likely benign (4). 2 of the submissions do not count toward it. Last evaluated 2026-02-01.

Conditions:
Ehlers-Danlos syndrome, dermatosparaxis type. Also called: Ehlers-Danlos syndrome, type VII, autosomal recessive; EDS VIIC; Dermatosparaxis. Identifiers: Orphanet 1901, MedGen C2700425, MONDO:0009161, OMIM 225410.
ADAMTS2-related disorder. Also called: ADAMTS2-related condition.

Allele frequency attached by ClinVar (database versions not stated): ExAC 0.00004; gnomAD 0.00092; 1000 Genomes Project 30x 0.00656.

Submissions (6):

Labcorp Genetics (formerly Invitae), Labcorp
Classification: Likely benign for Ehlers-Danlos syndrome, dermatosparaxis type. Last evaluated: 2026-02-01. Review status: criteria provided, single submitter. Criteria: Invitae Variant Classification Sherloc (09022015). Collection method: clinical testing. Allele origin: germline.

CeGaT Center for Human Genetics Tuebingen
Classification: Likely benign. Last evaluated: 2025-06-01. Review status: criteria provided, single submitter. Criteria: CeGaT Center For Human Genetics Tuebingen Variant Classification Criteria Version 2. Collection method: clinical testing. Allele origin: germline. Affected: yes. Observed: 1 variant allele.
Comment: ADAMTS2: BP4, BP7

Laboratory of Genetics, Children's Clinical University Hospital Latvia
Classification: Likely benign. Last evaluated: 2025-02-16. Review status: criteria provided, single submitter. Criteria: ACMG Guidelines, 2015. Collection method: clinical testing. Allele origin: germline. Affected: yes.

Blueprint Genetics
Classification: Likely benign. Last evaluated: 2024-11-21. Review status: criteria provided, single submitter. Criteria: ACMG Guidelines, 2015. Collection method: clinical testing. Allele origin: germline.

Natera, Inc.
Classification: Likely benign for Ehlers-Danlos syndrome type VIIC. Last evaluated: 2021-01-25. Review status: no assertion criteria provided. Collection method: clinical testing. Allele origin: germline. Not counted in ClinVar's aggregate classification.

PreventionGenetics, part of Exact Sciences
Classification: Likely benign for ADAMTS2-related condition. Last evaluated: 2019-05-08. Review status: no assertion criteria provided. Collection method: clinical testing. Allele origin: germline. Not counted in ClinVar's aggregate classification.
Comment: This variant is classified as likely benign based on ACMG/AMP sequence variant interpretation guidelines (Richards et al. 2015 PMID: 25741868, with internal and published modifications).

NM_014244.5(ADAMTS2):c.2865C>T (p.His955=)

Gene: ADAMTS2 (ADAM metallopeptidase with thrombospondin type 1 motif 2; minus strand). Cytogenetic location: 5q35.3.
Variant type: single nucleotide variant.
Coding change: c.2865C>T on transcript NM_014244.5 (MANE Select); coding-DNA position 2865, C replaced by T.
Protein change: p.His955=; no amino-acid change (histidine 955 retained).
Molecular consequence: synonymous variant.
Genome position (GRCh38, 1-based): chr5:179,125,066, G>A on the plus strand (C>T on the coding strand, the complement: ADAMTS2 is on the minus strand). VCF-style: chr5-179125066-G-A. GRCh37 (hg19) VCF-style: chr5-178552067-G-A.
Identifiers: ClinVar variation 774640 (VCV000774640.26), dbSNP rs752790963, ClinGen allele CA3595392.
Genomic context (GRCh38, chr5:179,125,066, plus strand): 5'-GCAGAGCTCGCGGCTGCAGGCCCGGCGGCTCTCGGGCCGGGCGTCATTGCAGTGCTTGGC[G>A]TGCACGGAGCGGGTGGTGTTGTCGTGTAGCGGCTGAATGCAGCGCACGGAGCGCACCTGC-3'
Protein context (NP_055059.2, residues 945-965): PLHDNTTRSV[His955=]AKHCNDARPE